The following is an entry in ClinVar:

NM_001916.5(CYC1):c.907G>C (p.Val303Leu)

Gene: CYC1 (cytochrome c1; plus strand). Cytogenetic location: 8q24.3.
Variant type: single nucleotide variant.
Coding change: c.907G>C on transcript NM_001916.5 (MANE Select); coding-DNA position 907, G replaced by C.
Protein change: p.Val303Leu; replaces valine 303 with leucine.
Molecular consequence: missense variant.
Genome position (GRCh38, 1-based): chr8:144,097,265, G>C. VCF-style: chr8-144097265-G-C. GRCh37 (hg19) VCF-style: chr8-145152168-G-C.
Other names: short protein forms V303L.
Identifiers: ClinVar variation 1331313 (VCV001331313.2), dbSNP rs2129973952, ClinGen allele CA372530513.

ClinVar aggregate classification (germline): Uncertain significance (1 of 4 stars; one submission).

Submission:

GeneDx
Classification: Uncertain significance. Last evaluated: 2021-07-01. Review status: criteria provided, single submitter. Criteria: GeneDx Variant Classification Process June 2021. Collection method: clinical testing. Allele origin: germline. Affected: yes.
Comment: Not observed at significant frequency in large population cohorts (Lek et al., 2016); In silico analysis supports that this missense variant does not alter protein structure/function; Has not been previously published as pathogenic or benign to our knowledge; This variant is associated with the following publications: (PMID: 27535533)